The following is an entry in ClinVar:

NM_032444.4(SLX4):c.4973G>A (p.Gly1658Glu)

Gene: SLX4 (SLX4 structure-specific endonuclease subunit; minus strand). Cytogenetic location: 16p13.3.
Variant type: single nucleotide variant.
Coding change: c.4973G>A on transcript NM_032444.4 (MANE Select); coding-DNA position 4973, G replaced by A.
Protein change: p.Gly1658Glu; replaces glycine 1658 with glutamic acid.
Molecular consequence: missense variant.
Genome position (GRCh38, 1-based): chr16:3,583,277, C>T on the plus strand (G>A on the coding strand, the complement: SLX4 is on the minus strand). VCF-style: chr16-3583277-C-T. GRCh37 (hg19) VCF-style: chr16-3633278-C-T.
Other names: short protein forms G1658E.
Identifiers: ClinVar variation 1980257 (VCV001980257.2), dbSNP rs1277480342, ClinGen allele CA394515001.
Genomic context (GRCh38, chr16:3,583,277, plus strand): 5'-GGGGGTGTGATGCTTTCATGATGCTTCCTTTGATGTCGGGGGCCCTTGGTCTTAGCAGGT[C>T]CCTTGGGCCTATGGGCCCCAGGTCCTGTGGTGGCCTCCTGCTGGGCATGGACCCCTGCCC-3'
Protein context (NP_115820.2, residues 1648-1668): TTGPGAHRPK[Gly1658Glu]PAKTKGPRHQ

ClinVar aggregate classification (germline): Uncertain significance (1 of 4 stars; one submission).

Conditions:
Fanconi anemia (FA). Also called: Fanconi's anemia. Identifiers: Orphanet 84, MedGen C0015625, MeSH D005199, MONDO:0019391.

Allele frequency attached by ClinVar (database versions not stated): gnomAD exomes below 0.00001; TOPMed below 0.00001; gnomAD 0.00001.

Submission:

Labcorp Genetics (formerly Invitae), Labcorp
Classification: Uncertain significance for Fanconi anemia. Last evaluated: 2025-11-03. Review status: criteria provided, single submitter. Criteria: Invitae Variant Classification Sherloc (09022015). Collection method: clinical testing. Allele origin: germline.
Comment: This sequence change replaces glycine, which is neutral and non-polar, with glutamic acid, which is acidic and polar, at codon 1658 of the SLX4 protein (p.Gly1658Glu). This variant is not present in population databases (gnomAD no frequency). This variant has not been reported in the literature in individuals affected with SLX4-related conditions. ClinVar contains an entry for this variant (Variation ID: 1980257). An algorithm developed to predict the effect of missense changes on protein structure and function outputs the following: PolyPhen-2: "Benign". The glutamic acid amino acid residue is found in multiple mammalian species, which suggests that this missense change does not adversely affect protein function. In summary, the available evidence is currently insufficient to determine the role of this variant in disease. Therefore, it has been classified as a Variant of Uncertain Significance.